The following is an entry in ClinVar:

NM_005228.5(EGFR):c.3075C>G (p.Ser1025Arg)

Gene: EGFR (epidermal growth factor receptor; plus strand). Cytogenetic location: 7p11.2.
Variant type: single nucleotide variant.
Coding change: c.3075C>G on transcript NM_005228.5 (MANE Select); coding-DNA position 3075, C replaced by G.
Protein change: p.Ser1025Arg; replaces serine 1025 with arginine.
Molecular consequence: missense variant.
Genome position (GRCh38, 1-based): chr7:55,201,316, C>G. VCF-style: chr7-55201316-C-G. GRCh37 (hg19) VCF-style: chr7-55269009-C-G.
Other names: c.2940C>G, p.Ser980Arg (NM_001346897.2, NM_001346899.2); c.3075C>G, p.Ser1025Arg (NM_001346898.2); c.2916C>G, p.Ser972Arg (NM_001346900.2); c.2274C>G, p.Ser758Arg (NM_001346941.2); short protein forms S972R, S758R, S980R, S1025R.
Identifiers: ClinVar variation 4842905 (VCV004842905.1).

ClinVar aggregate classification (germline): Uncertain significance (1 of 4 stars; one submission).

Conditions:
Hereditary cancer-predisposing syndrome. Also called: Neoplastic Syndromes, Hereditary; Tumor predisposition; Hereditary Cancer Syndrome; Hereditary neoplastic syndrome. Identifiers: Orphanet 140162, MedGen C0027672, MeSH D009386, MONDO:0015356.

gnomAD v4.1: 3 of 1,613,988 alleles (0.00019%); highest among the groups gnomAD compares: Non-Finnish European, 0.00025%; no homozygotes.

Submission:

Ambry Genetics
Classification: Uncertain significance for Hereditary cancer-predisposing syndrome. Last evaluated: 2025-12-15. Review status: criteria provided, single submitter. Criteria: Ambry Variant Classification Scheme 2023. Collection method: clinical testing. Allele origin: germline.
Comment: The p.S1025R variant (also known as c.3075C>G), located in coding exon 25 of the EGFR gene, results from a C to G substitution at nucleotide position 3075. The serine at codon 1025 is replaced by arginine, an amino acid with dissimilar properties. This amino acid position is not well conserved in available vertebrate species. In addition, this alteration is predicted to be tolerated by in silico analysis. Based on the available evidence, the clinical significance of this variant remains unclear.